The following is an entry in ClinVar:

ClinVar aggregate classification (germline): Uncertain significance. Review status: criteria provided, multiple submitters, no conflicts (2 of 4 stars). 2 submissions from 2 submitters: Uncertain significance (2). Last evaluated 2023-03-20.

Allele frequency attached by ClinVar (database versions not stated): gnomAD exomes below 0.00001; ExAC 0.00001; gnomAD 0.00001; TOPMed 0.00001; ESP Exome Variant Server 0.00008.
gnomAD v4.1: 6 of 1,613,082 alleles (0.00037%); highest among the groups gnomAD compares: South Asian, 0.0011%; no homozygotes.

Submissions (2):

GeneDx
Classification: Uncertain significance. Last evaluated: 2023-03-20. Review status: criteria provided, single submitter. Criteria: GeneDx Variant Classification Process June 2021. Collection method: clinical testing. Allele origin: germline. Affected: yes.
Comment: In silico analysis supports that this missense variant has a deleterious effect on protein structure/function; Has not been previously published as pathogenic or benign to our knowledge

Eurofins Ntd Llc (ga)
Classification: Uncertain significance. Last evaluated: 2014-06-12. Review status: criteria provided, single submitter. Criteria: EGL Classification Definitions 2015. Collection method: clinical testing. Allele origin: germline. Observed: 1 variant allele, 1 heterozygote.

NM_004380.3(CREBBP):c.2399C>T (p.Pro800Leu)

Gene: CREBBP (CREB binding protein; minus strand). Cytogenetic location: 16p13.3.
Variant type: single nucleotide variant.
Coding change: c.2399C>T on transcript NM_004380.3 (MANE Select); coding-DNA position 2399, C replaced by T.
Protein change: p.Pro800Leu; replaces proline 800 with leucine.
Molecular consequence: missense variant.
Genome position (GRCh38, 1-based): chr16:3,773,815, G>A on the plus strand (C>T on the coding strand, the complement: CREBBP is on the minus strand). VCF-style: chr16-3773815-G-A. GRCh37 (hg19) VCF-style: chr16-3823816-G-A.
Other names: c.2285C>T, p.Pro762Leu (NM_001079846.1); c.2399C>T (NM_004380.2); short protein forms P800L, P762L.
Identifiers: ClinVar variation 194217 (VCV000194217.6), dbSNP rs371771785, ClinGen allele CA240081.